The following is an entry in ClinVar:

NM_001394998.1(TANC2):c.178G>A (p.Asp60Asn)

Gene: TANC2 (tetratricopeptide repeat, ankyrin repeat and coiled-coil containing 2; plus strand). Cytogenetic location: 17q23.2.
Variant type: single nucleotide variant.
Coding change: c.178G>A on transcript NM_001394998.1 (MANE Select); coding-DNA position 178, G replaced by A.
Protein change: p.Asp60Asn; replaces aspartic acid 60 with asparagine.
Molecular consequence: missense variant.
Genome position (GRCh38, 1-based): chr17:63,099,213, G>A. VCF-style: chr17-63099213-G-A. GRCh37 (hg19) VCF-style: chr17-61176574-G-A.
Other names: c.178G>A, p.Asp60Asn (NM_001411076.1, NM_025185.4); short protein forms D60N.
Identifiers: ClinVar variation 1710641 (VCV001710641.2), dbSNP rs2510032624, ClinGen allele CA400791587.

ClinVar aggregate classification (germline): Uncertain significance (1 of 4 stars; one submission).

Submission:

GeneDx
Classification: Uncertain significance. Last evaluated: 2022-04-15. Review status: criteria provided, single submitter. Criteria: GeneDx Variant Classification Process June 2021. Collection method: clinical testing. Allele origin: germline. Affected: yes.
Comment: Not observed at significant frequency in large population cohorts (gnomAD); In silico analysis supports that this missense variant does not alter protein structure/function; Has not been previously published as pathogenic or benign to our knowledge